The following is an entry in ClinVar:

ClinVar aggregate classification (germline): Uncertain significance (1 of 4 stars; one submission).

Conditions:
Joubert syndrome. Also called: CEREBELLOPARENCHYMAL DISORDER IV; JOUBERT-BOLTSHAUSER SYNDROME; Familial aplasia of the vermis. Identifiers: Orphanet 475, MedGen C5979921, MONDO:0018772.
Nephronophthisis. Also called: Juvenile Nephronophthisis. Identifiers: Orphanet 655, MedGen C0687120, MONDO:0019005, HP:0000090.
Meckel-Gruber syndrome. Also called: DYSENCEPHALIA SPLANCHNOCYSTICA; GRUBER SYNDROME; Dysencephalia splachnocystica. Identifiers: Orphanet 564, MedGen C0265215, MONDO:0018921.

Submission:

Labcorp Genetics (formerly Invitae), Labcorp
Classification: Uncertain significance for Joubert syndrome; Meckel-Gruber syndrome; Nephronophthisis. Last evaluated: 2022-05-17. Review status: criteria provided, single submitter. Criteria: Invitae Variant Classification Sherloc (09022015). Collection method: clinical testing. Allele origin: germline.
Comment: This sequence change replaces arginine, which is basic and polar, with lysine, which is basic and polar, at codon 335 of the CEP290 protein (p.Arg335Lys). This variant is not present in population databases (gnomAD no frequency). This variant has not been reported in the literature in individuals affected with CEP290-related conditions. Algorithms developed to predict the effect of missense changes on protein structure and function output the following: SIFT: "Tolerated"; PolyPhen-2: "Benign"; Align-GVGD: "Class C0". The lysine amino acid residue is found in multiple mammalian species, which suggests that this missense change does not adversely affect protein function. Algorithms developed to predict the effect of sequence changes on RNA splicing suggest that this variant may create or strengthen a splice site. In summary, the available evidence is currently insufficient to determine the role of this variant in disease. Therefore, it has been classified as a Variant of Uncertain Significance.

NM_025114.4(CEP290):c.1004G>A (p.Arg335Lys)

Gene: CEP290 (centrosomal protein 290; minus strand). Cytogenetic location: 12q21.32.
Variant type: single nucleotide variant.
Coding change: c.1004G>A on transcript NM_025114.4 (MANE Select); coding-DNA position 1004, G replaced by A.
Protein change: p.Arg335Lys; replaces arginine 335 with lysine.
Molecular consequence: missense variant.
Genome position (GRCh38, 1-based): chr12:88,126,377, C>T on the plus strand (G>A on the coding strand, the complement: CEP290 is on the minus strand). VCF-style: chr12-88126377-C-T. GRCh37 (hg19) VCF-style: chr12-88520154-C-T.
Other names: short protein forms R335K.
Identifiers: ClinVar variation 2149495 (VCV002149495.1), dbSNP rs2039729147, ClinGen allele CA385982871.